The following is an entry in ClinVar:

ClinVar aggregate classification (germline): Benign/Likely benign. Review status: criteria provided, multiple submitters, no conflicts (2 of 4 stars). 26 submissions from 19 submitters: Benign (20); Likely benign (2). 4 of the submissions do not count toward it. Last evaluated 2026-02-03.

Conditions:
Dilated cardiomyopathy 1G (CMD1G). Identifiers: Orphanet 154, MedGen C1858763, MONDO:0011400, OMIM 604145.
Autosomal recessive limb-girdle muscular dystrophy type 2J (LGMDR10). Also called: MUSCULAR DYSTROPHY, LIMB-GIRDLE, AUTOSOMAL RECESSIVE 10; Limb-girdle muscular dystrophy, type 2J. Identifiers: Orphanet 140922, MedGen C1837342, MONDO:0012127, OMIM 608807.
Cardiovascular phenotype. Identifiers: MedGen CN230736.
Early-onset myopathy with fatal cardiomyopathy (CMYO5). Also called: CONGENITAL MYOPATHY 5 WITH CARDIOMYOPATHY; Salih Myopathy. Identifiers: Orphanet 289377, MedGen C2673677, MONDO:0012714, OMIM 611705. Disease mechanism: loss of function.
Hypertrophic cardiomyopathy 9. Also called: Familial hypertrophic cardiomyopathy 9. Identifiers: MedGen C1861065, MONDO:0013412, OMIM 613765.
Tibial muscular dystrophy (TMD). Also called: Udd Distal Myopathy – Tibial Muscular Dystrophy; Tibial muscular dystrophy, tardive; UDD MYOPATHY. Identifiers: Orphanet 609, MedGen C1838244, MONDO:0010870, OMIM 600334.
Myopathy, myofibrillar, 9, with early respiratory failure (MFM9). Also called: Myopathy, distal, with early respiratory failure, autosomal dominant; Hereditary myopathy with early respiratory failure; MYOPATHY, PROXIMAL, WITH EARLY RESPIRATORY MUSCLE INVOLVEMENT; EDSTROM MYOPATHY. Identifiers: Orphanet 178464, Orphanet 34521, MedGen C1863599, MONDO:0011362, OMIM 603689.
Cardiomyopathy (CMYO). Also called: Cardiomyopathies. Identifiers: Orphanet 167848, MedGen C0878544, MONDO:0004994, HP:0001638. Inheritance: Various modes of inheritance.

Allele frequency attached by ClinVar (database versions not stated): ExAC 0.00435; gnomAD 0.01548; gnomAD exomes 0.00139; 1000 Genomes Project 0.01238; 1000 Genomes Project 30x 0.01312; ESP Exome Variant Server 0.01565; TOPMed 0.01662.
gnomAD v4.1: 4,370 of 1,608,564 alleles (0.27%); highest among the groups gnomAD compares: African/African-American, 5.3%; 130 homozygotes.

Submissions (26):

Labcorp Genetics (formerly Invitae), Labcorp
Classification: Benign for Dilated cardiomyopathy 1G; Autosomal recessive limb-girdle muscular dystrophy type 2J. Last evaluated: 2026-02-03. Review status: criteria provided, single submitter. Criteria: Invitae Variant Classification Sherloc (09022015). Collection method: clinical testing. Allele origin: germline.

ARUP Laboratories, Molecular Genetics and Genomics, ARUP Laboratories
Classification: Benign. Last evaluated: 2025-05-14. Review status: criteria provided, single submitter. Criteria: ARUP Molecular Germline Variant Investigation Process 2024. Collection method: clinical testing. Allele origin: germline.

Molecular Diagnostic Laboratory for Inherited Cardiovascular Disease, Montreal Heart Institute
Classification: Benign. Last evaluated: 2025-04-09. Review status: criteria provided, single submitter. Criteria: ACMG Guidelines, 2015. Collection method: clinical testing. Allele origin: germline. Affected: no.

Athena Diagnostics
Classification: Benign. Last evaluated: 2024-10-31. Review status: criteria provided, single submitter. Criteria: Athena Diagnostics Criteria. Collection method: clinical testing. Allele origin: unknown.

Fulgent Genetics
Classification: Benign for Tibial muscular dystrophy; Myopathy, myofibrillar, 9, with early respiratory failure; Dilated cardiomyopathy 1G; Autosomal recessive limb-girdle muscular dystrophy type 2J; Early-onset myopathy with fatal cardiomyopathy; Hypertrophic cardiomyopathy 9. Last evaluated: 2021-11-10. Review status: criteria provided, single submitter. Criteria: ACMG Guidelines, 2015. Collection method: clinical testing. Allele origin: unknown.

Genome-Nilou Lab
Classification: Benign for Autosomal recessive limb-girdle muscular dystrophy type 2J. Last evaluated: 2021-09-10. Review status: criteria provided, single submitter. Criteria: ACMG Guidelines, 2015. Collection method: clinical testing. Allele origin: germline. Affected: no.

Genome-Nilou Lab
Classification: Benign for Myopathy, myofibrillar, 9, with early respiratory failure. Last evaluated: 2021-09-10. Review status: criteria provided, single submitter. Criteria: ACMG Guidelines, 2015. Collection method: clinical testing. Allele origin: germline. Affected: no.

Genome-Nilou Lab
Classification: Benign for Early-onset myopathy with fatal cardiomyopathy. Last evaluated: 2021-09-10. Review status: criteria provided, single submitter. Criteria: ACMG Guidelines, 2015. Collection method: clinical testing. Allele origin: germline. Affected: no.

Genome-Nilou Lab
Classification: Benign for Tibial muscular dystrophy. Last evaluated: 2021-09-10. Review status: criteria provided, single submitter. Criteria: ACMG Guidelines, 2015. Collection method: clinical testing. Allele origin: germline. Affected: no.

Women's Health and Genetics/Laboratory Corporation of America, LabCorp
Classification: Benign. Last evaluated: 2020-05-10. Review status: criteria provided, single submitter. Criteria: LabCorp Variant Classification Summary - May 2015. Collection method: clinical testing. Allele origin: germline.

Mayo Clinic Laboratories, Mayo Clinic
Classification: Benign. Last evaluated: 2019-07-25. Review status: criteria provided, single submitter. Criteria: ACMG Guidelines, 2015. Collection method: clinical testing. Allele origin: germline. Observed: 20 variant alleles.

Illumina Laboratory Services, Illumina
Classification: Likely benign for Dilated cardiomyopathy 1G. Last evaluated: 2018-01-13. Review status: criteria provided, single submitter. Criteria: ICSL Variant Classification Criteria 13 December 2019. Collection method: clinical testing. Allele origin: germline.
Comment: This variant was observed in the ICSL laboratory as part of a predisposition screen in an ostensibly healthy population. It had not been previously curated by ICSL or reported in the Human Gene Mutation Database (HGMD: prior to June 1st, 2018), and was therefore a candidate for classification through an automated scoring system. Utilizing variant allele frequency, disease prevalence and penetrance estimates, and inheritance mode, an automated score was calculated to assess if this variant is too frequent to cause the disease. Based on the score and internal cut-off values, a variant classified as likely benign is not then subjected to further curation. The score for this variant resulted in a classification of likely benign for this disease.

Illumina Laboratory Services, Illumina
Classification: Benign for Autosomal recessive limb-girdle muscular dystrophy type 2J. Last evaluated: 2018-01-13. Review status: criteria provided, single submitter. Criteria: ICSL Variant Classification Criteria 13 December 2019. Collection method: clinical testing. Allele origin: germline.
Comment: This variant was observed in the ICSL laboratory as part of a predisposition screen in an ostensibly healthy population. It had not been previously curated by ICSL or reported in the Human Gene Mutation Database (HGMD: prior to June 1st, 2018), and was therefore a candidate for classification through an automated scoring system. Utilizing variant allele frequency, disease prevalence and penetrance estimates, and inheritance mode, an automated score was calculated to assess if this variant is too frequent to cause the disease. Based on the score and internal cut-off values, a variant classified as benign is not then subjected to further curation. The score for this variant resulted in a classification of benign for this disease.

Illumina Laboratory Services, Illumina
Classification: Benign for Tibial muscular dystrophy. Last evaluated: 2018-01-13. Review status: criteria provided, single submitter. Criteria: ICSL Variant Classification Criteria 13 December 2019. Collection method: clinical testing. Allele origin: germline.
Comment: the same text as in the submission from Illumina Laboratory Services, Illumina above.

Illumina Laboratory Services, Illumina
Classification: Benign for Myopathy, myofibrillar, 9, with early respiratory failure. Last evaluated: 2018-01-13. Review status: criteria provided, single submitter. Criteria: ICSL Variant Classification Criteria 13 December 2019. Collection method: clinical testing. Allele origin: germline.
Comment: the same text as in the submission from Illumina Laboratory Services, Illumina above.

Illumina Laboratory Services, Illumina
Classification: Benign for Early-onset myopathy with fatal cardiomyopathy. Last evaluated: 2018-01-13. Review status: criteria provided, single submitter. Criteria: ICSL Variant Classification Criteria 13 December 2019. Collection method: clinical testing. Allele origin: germline.
Comment: the same text as in the submission from Illumina Laboratory Services, Illumina above.

CHEO Genetics Diagnostic Laboratory, Children's Hospital of Eastern Ontario
Classification: Benign for Cardiomyopathy. Last evaluated: 2015-10-21. Review status: criteria provided, single submitter. Criteria: ACMG Guidelines, 2015. Collection method: clinical testing. Allele origin: germline. Study: Canadian Open Genetics Repository.

GeneDx
Classification: Benign. Last evaluated: 2014-03-27. Review status: criteria provided, single submitter. Criteria: GeneDx Variant Classification (06012015). Collection method: clinical testing. Allele origin: germline. Affected: yes.
Comment: This variant is considered likely benign or benign based on one or more of the following criteria: it is a conservative change, it occurs at a poorly conserved position in the protein, it is predicted to be benign by multiple in silico algorithms, and/or has population frequency not consistent with disease.

Ambry Genetics
Classification: Benign for Cardiovascular phenotype. Last evaluated: 2012-11-05. Review status: criteria provided, single submitter. Criteria: Ambry Autosomal Dominant and X-Linked criteria (10/2015). Collection method: clinical testing. Allele origin: germline. Observed: 1 variant allele.

Laboratory for Molecular Medicine, Mass General Brigham Personalized Medicine
Classification: Benign. Last evaluated: 2012-08-15. Review status: criteria provided, single submitter. Criteria: LMM Criteria. Collection method: clinical testing. Allele origin: germline. Observed: 27 variant alleles.
Comment: 5.0% (181/3614) of Afr Amer chrom from ESP

Breakthrough Genomics
Classification: Likely benign. Review status: criteria provided, single submitter. Criteria: ACMG Guidelines, 2015. Collection method: not provided. Allele origin: germline. Inheritance: Autosomal recessive inheritance. Affected: yes.

PreventionGenetics, part of Exact Sciences
Classification: Benign. Review status: criteria provided, single submitter. Criteria: ACMG Guidelines, 2015. Collection method: clinical testing. Allele origin: germline.

Clinical Genetics DNA and cytogenetics Diagnostics Lab, Erasmus MC, Erasmus Medical Center
Classification: Benign. Review status: no assertion criteria provided. Collection method: clinical testing. Allele origin: germline. Affected: yes. Study: VKGL Data-share Consensus. Not counted in ClinVar's aggregate classification.

Clinical Genetics, Academic Medical Center
Classification: Benign. Review status: no assertion criteria provided. Collection method: clinical testing. Allele origin: germline. Affected: yes. Study: VKGL Data-share Consensus. Not counted in ClinVar's aggregate classification.

Diagnostic Laboratory, Department of Genetics, University Medical Center Groningen
Classification: Likely benign. Review status: no assertion criteria provided. Collection method: clinical testing. Allele origin: germline. Affected: yes. Study: VKGL Data-share Consensus. Not counted in ClinVar's aggregate classification.

Joint Genome Diagnostic Labs from Nijmegen and Maastricht, Radboudumc and MUMC+
Classification: Benign. Review status: no assertion criteria provided. Collection method: clinical testing. Allele origin: germline. Affected: yes. Study: VKGL Data-share Consensus. Not counted in ClinVar's aggregate classification.

NM_001267550.2(TTN):c.106476T>C (p.Cys35492=)

Genes: TTN (titin; minus strand), TTN-AS1 (TTN antisense RNA 1; plus strand). Cytogenetic location: 2q31.2.
Variant type: single nucleotide variant.
Coding change: c.106476T>C on transcript NM_001267550.2 (MANE Select); coding-DNA position 106476, T replaced by C.
Protein change: p.Cys35492=; no amino-acid change (cysteine 35492 retained).
Molecular consequence: synonymous variant.
Genome position (GRCh38, 1-based): chr2:178,530,015, A>G on the plus strand (T>C on the coding strand, the complement: TTN is on the minus strand). VCF-style: chr2-178530015-A-G. GRCh37 (hg19) VCF-style: chr2-179394742-A-G.
Other names: p.C33851C:TGT>TGC; p.Cys32924=; c.101553T>C, p.Cys33851= (NM_001256850.1); c.79281T>C, p.Cys26427= (NM_003319.4); c.98772T>C, p.Cys32924= (NM_133378.4); c.79656T>C, p.Cys26552= (NM_133432.3); c.79857T>C, p.Cys26619= (NM_133437.4).
Identifiers: ClinVar variation 47706 (VCV000047706.50), dbSNP rs6725673, ClinGen allele CA284375.